The following is an entry in ClinVar:

ClinVar aggregate classification (germline): Benign (1 of 4 stars; one submission).

Allele frequency attached by ClinVar (database versions not stated): TOPMed 0.54852; gnomAD 0.52606; 1000 Genomes Project 0.65715; 1000 Genomes Project 30x 0.65553.
gnomAD v4.1: 80,022 of 151,910 alleles (53%); highest among the groups gnomAD compares: African/African-American, 82%; 24,242 homozygotes.

Submission:

GeneDx
Classification: Benign. Last evaluated: 2018-06-14. Review status: criteria provided, single submitter. Criteria: GeneDx Variant Classification (06012015). Collection method: clinical testing. Allele origin: germline. Affected: yes.
Comment: This variant is considered likely benign or benign based on one or more of the following criteria: it is a conservative change, it occurs at a poorly conserved position in the protein, it is predicted to be benign by multiple in silico algorithms, and/or has population frequency not consistent with disease.

NM_152415.3(VPS37A):c.200+275A>T

Gene: VPS37A (VPS37A subunit of ESCRT-I; plus strand). Cytogenetic location: 8p22.
Variant type: single nucleotide variant.
Coding change: c.200+275A>T on transcript NM_152415.3 (MANE Select); 275 bases into the intron after coding-DNA position 200, A replaced by T.
Molecular consequence: intron variant.
Genome position (GRCh38, 1-based): chr8:17,266,256, A>T. VCF-style: chr8-17266256-A-T. GRCh37 (hg19) VCF-style: chr8-17123765-A-T.
Other names: c.-71+275A>T (NM_001363172.2, NM_001363168.1, NM_001363170.1 and 2 more transcripts); c.200+275A>T (NM_001363173.2, NM_001363167.1); c.126-2002A>T (NM_001145152.2).
Identifiers: ClinVar variation 669973 (VCV000669973.1), dbSNP rs6998299, ClinGen allele CA12890678.